The following is an entry in ClinVar:

ClinVar aggregate classification (germline): Uncertain significance (1 of 4 stars; one submission).

Allele frequency attached by ClinVar (database versions not stated): gnomAD exomes below 0.00001.
gnomAD v4.1: 7 of 1,613,726 alleles (0.00043%); highest among the groups gnomAD compares: African/African-American, 0.0027%; no homozygotes.

Submission:

Labcorp Genetics (formerly Invitae), Labcorp
Classification: Uncertain significance. Last evaluated: 2024-03-17. Review status: criteria provided, single submitter. Criteria: Invitae Variant Classification Sherloc (09022015). Collection method: clinical testing. Allele origin: germline.
Comment: This sequence change replaces arginine, which is basic and polar, with tryptophan, which is neutral and slightly polar, at codon 12 of the COL11A1 protein (p.Arg12Trp). This variant is not present in population databases (gnomAD no frequency). This variant has not been reported in the literature in individuals affected with COL11A1-related conditions. Advanced modeling of protein sequence and biophysical properties (such as structural, functional, and spatial information, amino acid conservation, physicochemical variation, residue mobility, and thermodynamic stability) performed at Invitae indicates that this missense variant is not expected to disrupt COL11A1 protein function with a negative predictive value of 95%. In summary, the available evidence is currently insufficient to determine the role of this variant in disease. Therefore, it has been classified as a Variant of Uncertain Significance.

NM_001854.4(COL11A1):c.34C>T (p.Arg12Trp)

Gene: COL11A1 (collagen type XI alpha 1 chain; minus strand). Cytogenetic location: 1p21.1.
Variant type: single nucleotide variant.
Coding change: c.34C>T on transcript NM_001854.4 (MANE Select); coding-DNA position 34, C replaced by T.
Protein change: p.Arg12Trp; replaces arginine 12 with tryptophan.
Molecular consequence: missense variant. On other transcripts: non-coding transcript variant (1).
Genome position (GRCh38, 1-based): chr1:103,108,145, G>A on the plus strand (C>T on the coding strand, the complement: COL11A1 is on the minus strand). VCF-style: chr1-103108145-G-A. GRCh37 (hg19) VCF-style: chr1-103573701-G-A.
Other names: c.34C>T, p.Arg12Trp (NM_001168249.1, NM_001190709.2, NM_080629.3 and 1 more transcripts); short protein forms R12W.
Identifiers: ClinVar variation 2958759 (VCV002958759.3), dbSNP rs1674861354, ClinGen allele CA341159788.